The following is an entry in ClinVar:

NM_000143.4(FH):c.1533A>C (p.Ter511Cys)

Gene: FH (fumarate hydratase; minus strand). Cytogenetic location: 1q43.
Variant type: single nucleotide variant.
Coding change: c.1533A>C on transcript NM_000143.4 (MANE Select); coding-DNA position 1533, A replaced by C.
Protein change: p.Ter511Cys.
Molecular consequence: stop lost.
Genome position (GRCh38, 1-based): chr1:241,497,828, T>G on the plus strand (A>C on the coding strand, the complement: FH is on the minus strand). VCF-style: chr1-241497828-T-G. GRCh37 (hg19) VCF-style: chr1-241661128-T-G.
Identifiers: ClinVar variation 3230441 (VCV003230441.1), dbSNP rs2527308299, ClinGen allele CA345449882.

ClinVar aggregate classification (germline): Uncertain significance (1 of 4 stars; one submission).

Conditions:
Hereditary cancer-predisposing syndrome. Also called: Neoplastic Syndromes, Hereditary; Tumor predisposition; Hereditary neoplastic syndrome; Hereditary Cancer Syndrome. Identifiers: Orphanet 140162, MedGen C0027672, MeSH D009386, MONDO:0015356.

Submission:

Ambry Genetics
Classification: Uncertain significance for Hereditary cancer-predisposing syndrome. Last evaluated: 2024-02-27. Review status: criteria provided, single submitter. Criteria: Ambry Variant Classification Scheme 2023. Collection method: clinical testing. Allele origin: germline.
Comment: The c.1533A>C variant (also known as p.*511Cext*3), located in coding exon 10 of the FH gene, results from an A to C substitution at nucleotide position 1533. This alteration disrupts the stop codon of the FH gene and is predicted to preserve the native sequence while resulting in the elongation of the protein by three amino acids. The exact functional effect of the additional amino acids is unknown. Based on the available evidence, the clinical significance of this alteration remains unclear.